The following is an entry in ClinVar:

ClinVar aggregate classification (germline): Pathogenic (1 of 4 stars; one submission).

Conditions:
Dystonia 12 (DYT12). Also called: Rapid-Onset Dystonia-Parkinsonism (RDP); DYT-ATP1A3. Identifiers: Orphanet 71517, MedGen C1868681, MONDO:0007496, OMIM 128235.

Submission:

Labcorp Genetics (formerly Invitae), Labcorp
Classification: Pathogenic for Dystonia 12. Last evaluated: 2020-03-05. Review status: criteria provided, single submitter. Criteria: Invitae Variant Classification Sherloc (09022015). Collection method: clinical testing. Allele origin: germline.
Comment: For these reasons, this variant has been classified as Pathogenic. This variant disrupts the p.Gly358 amino acid residue in ATP1A3. Other variant(s) that disrupt this residue have been determined to be pathogenic (PMID: 25656163). This suggests that this residue is clinically significant, and that variants that disrupt this residue are likely to be disease-causing. Algorithms developed to predict the effect of missense changes on protein structure and function are either unavailable or do not agree on the potential impact of this missense change (SIFT: "Deleterious"; PolyPhen-2: "Probably Damaging"; Align-GVGD: "Class C0"). This variant has been observed in individual(s) with alternating hemiplegia of childhood (PMID: 26410222, Invitae). In at least one individual the variant was observed to be de novo. This variant is not present in population databases (ExAC no frequency). This sequence change replaces glycine with serine at codon 358 of the ATP1A3 protein (p.Gly358Ser). The glycine residue is highly conserved and there is a small physicochemical difference between glycine and serine.

Literature cited by the submitters: PubMed 25656163; PubMed 26410222.

NM_152296.5(ATP1A3):c.1072G>A (p.Gly358Ser)

Gene: ATP1A3 (ATPase Na+/K+ transporting subunit alpha 3; minus strand). Cytogenetic location: 19q13.2.
Variant type: single nucleotide variant.
Coding change: c.1072G>A on transcript NM_152296.5 (MANE Select); coding-DNA position 1072, G replaced by A.
Protein change: p.Gly358Ser; replaces glycine 358 with serine.
Molecular consequence: missense variant.
Genome position (GRCh38, 1-based): chr19:41,982,028, C>T on the plus strand (G>A on the coding strand, the complement: ATP1A3 is on the minus strand). VCF-style: chr19-41982028-C-T. GRCh37 (hg19) VCF-style: chr19-42486180-C-T.
Other names: c.1105G>A, p.Gly369Ser (NM_001256213.2); c.1111G>A, p.Gly371Ser (NM_001256214.2); short protein forms G358S, G369S, G371S.
Identifiers: ClinVar variation 1069208 (VCV001069208.9), dbSNP rs606231432, ClinGen allele CA406051289.